The following is an entry in ClinVar:

ClinVar aggregate classification (germline): Pathogenic. Review status: criteria provided, multiple submitters, no conflicts (2 of 4 stars). 3 submissions from 3 submitters: Pathogenic (3). Last evaluated 2025-03-27.

Conditions:
Multiple endocrine neoplasia, type 1 (MEN1). Also called: Endocrine adenomatosis multiple; MEN 1; MEA I; MEN I; WERMER SYNDROME. Identifiers: Orphanet 652, MedGen C0025267, MeSH D018761, MONDO:0007540, OMIM 131100.
Hereditary cancer-predisposing syndrome. Also called: Hereditary Cancer Syndrome; Hereditary neoplastic syndrome; Tumor predisposition; Neoplastic Syndromes, Hereditary. Identifiers: Orphanet 140162, MedGen C0027672, MeSH D009386, MONDO:0015356.

Submissions (3):

Myriad Genetics, Inc.
Classification: Pathogenic for Multiple endocrine neoplasia, type 1. Last evaluated: 2025-03-27. Review status: criteria provided, single submitter. Criteria: Myriad Autosomal Dominant, Autosomal Recessive and X-Linked Classification Criteria (2023). Collection method: clinical testing. Allele origin: unknown.
Comment: This variant is considered pathogenic. This variant creates a termination codon and is predicted to result in premature protein truncation.

Labcorp Genetics (formerly Invitae), Labcorp
Classification: Pathogenic for Multiple endocrine neoplasia, type 1. Last evaluated: 2021-09-09. Review status: criteria provided, single submitter. Criteria: Invitae Variant Classification Sherloc (09022015). Collection method: clinical testing. Allele origin: germline.
Comment: For these reasons, this variant has been classified as Pathogenic. This premature translational stop signal has been observed in individual(s) with a personal and/or family history of multiple endocrine neoplasia type 1 (PMID: 30339208). This sequence change creates a premature translational stop signal (p.Leu3*) in the MEN1 gene. It is expected to result in an absent or disrupted protein product. Loss-of-function variants in MEN1 are known to be pathogenic (PMID: 12112656, 17853334). This variant is not present in population databases (ExAC no frequency).

Ambry Genetics
Classification: Pathogenic for Hereditary cancer-predisposing syndrome. Last evaluated: 2020-11-23. Review status: criteria provided, single submitter. Criteria: Ambry Variant Classification Scheme 2023. Collection method: clinical testing. Allele origin: germline.
Comment: The c.6delG pathogenic mutation, located in coding exon 1 of the MEN1 gene, results from a deletion of one nucleotide at nucleotide position 6, causing a translational frameshift with a predicted alternate stop codon (p.L3*). This alteration is expected to result in loss of function by premature protein truncation or nonsense-mediated mRNA decay. As such, this alteration is interpreted as a disease-causing mutation.

Literature cited by the submitters: PubMed 30339208 (cited by Labcorp Genetics (formerly Invitae), Labcorp); PubMed 12112656 (cited by Labcorp Genetics (formerly Invitae), Labcorp); PubMed 17853334 (cited by Labcorp Genetics (formerly Invitae), Labcorp).

NM_001370259.2(MEN1):c.6del (p.Gly2_Leu3insTer)

Gene: MEN1 (menin 1; minus strand). Cytogenetic location: 11q13.1.
Variant type: Deletion.
Coding change: c.6del on transcript NM_001370259.2 (MANE Select); coding-DNA position 6, one base deleted (G; older notation c.6delG).
Protein change: p.Gly2_Leu3insTer.
Molecular consequence: frameshift variant, initiator codon variant.
Genome position (GRCh38, 1-based): chr11:64,810,104, C deleted on the plus strand (G on the coding strand, the reverse complement: MEN1 is on the minus strand); the first of 4 consecutive C bases (chr11:64,810,104-64,810,107); deleting any one gives the same sequence. VCF-style (leftmost placement, unchanged base first): chr11-64810103-GC-G. GRCh37 (hg19) VCF-style: chr11-64577575-GC-G.
Other names: c.6del, p.Gly2_Leu3insTer (NM_000244.4, NM_001370251.2, NM_001370260.2 and 9 more transcripts).
Identifiers: ClinVar variation 1453883 (VCV001453883.10), dbSNP rs2136197117, ClinGen allele CA2573147366.